The following is an entry in ClinVar:

NM_005263.5(GFI1):c.322T>C (p.Ser108Pro)

Gene: GFI1 (growth factor independent 1 transcriptional repressor; minus strand). Cytogenetic location: 1p22.1.
Variant type: single nucleotide variant.
Coding change: c.322T>C on transcript NM_005263.5 (MANE Select); coding-DNA position 322, T replaced by C.
Protein change: p.Ser108Pro; replaces serine 108 with proline.
Molecular consequence: missense variant.
Genome position (GRCh38, 1-based): chr1:92,481,065, A>G on the plus strand (T>C on the coding strand, the complement: GFI1 is on the minus strand). VCF-style: chr1-92481065-A-G. GRCh37 (hg19) VCF-style: chr1-92946622-A-G.
Other names: c.322T>C, p.Ser108Pro (NM_001127215.3, NM_001127216.3); short protein forms S108P.
Identifiers: ClinVar variation 1465189 (VCV001465189.8), dbSNP rs2101573712, ClinGen allele CA341150078.

ClinVar aggregate classification (germline): Uncertain significance (1 of 4 stars; one submission).

Conditions:
Neutropenia, severe congenital, 2, autosomal dominant. Identifiers: Orphanet 486, MedGen C2751288, MONDO:0013139, OMIM 613107.

Submission:

Labcorp Genetics (formerly Invitae), Labcorp
Classification: Uncertain significance for Neutropenia, severe congenital, 2, autosomal dominant. Last evaluated: 2021-04-25. Review status: criteria provided, single submitter. Criteria: Invitae Variant Classification Sherloc (09022015). Collection method: clinical testing. Allele origin: germline.
Comment: In summary, the available evidence is currently insufficient to determine the role of this variant in disease. Therefore, it has been classified as a Variant of Uncertain Significance. Algorithms developed to predict the effect of missense changes on protein structure and function are either unavailable or do not agree on the potential impact of this missense change (SIFT: "Deleterious"; PolyPhen-2: "Benign"; Align-GVGD: "Class C0"). This variant has not been reported in the literature in individuals with GFI1-related conditions. This variant is not present in population databases (ExAC no frequency). This sequence change replaces serine with proline at codon 108 of the GFI1 protein (p.Ser108Pro). The serine residue is moderately conserved and there is a moderate physicochemical difference between serine and proline.